The following is an entry in ClinVar:

NM_020639.3(RIPK4):c.2325C>T (p.Ala775=)

Gene: RIPK4 (receptor interacting serine/threonine kinase 4; minus strand). Cytogenetic location: 21q22.3.
Variant type: single nucleotide variant.
Coding change: c.2325C>T on transcript NM_020639.3 (MANE Select); coding-DNA position 2325, C replaced by T.
Protein change: p.Ala775=; no amino-acid change (alanine 775 retained).
Molecular consequence: synonymous variant.
Genome position (GRCh38, 1-based): chr21:41,740,868, G>A on the plus strand (C>T on the coding strand, the complement: RIPK4 is on the minus strand). VCF-style: chr21-41740868-G-A. GRCh37 (hg19) VCF-style: chr21-43161028-G-A.
Identifiers: ClinVar variation 340010 (VCV000340010.10), dbSNP rs148947402, ClinGen allele CA10035071.

ClinVar aggregate classification (germline): Benign/Likely benign. Review status: criteria provided, multiple submitters, no conflicts (2 of 4 stars). 3 submissions from 3 submitters: Benign (1); Likely benign (1). 1 of the submissions does not count toward it. Last evaluated 2018-07-29.

Conditions:
RIPK4-related disorder. Also called: RIPK4-related condition.
Bartsocas-Papas syndrome 1. Also called: Bartsocas-Papas syndrome; MULTIPLE PTERYGIUM SYNDROME, ASLAN TYPE; PTERYGIUM, POPLITEAL, LETHAL TYPE. Identifiers: Orphanet 1234, MedGen C1849718, MONDO:0009901, OMIM 263650.

Allele frequency attached by ClinVar (database versions not stated): ESP Exome Variant Server 0.00008; gnomAD 0.00014 and 0.00016; TOPMed 0.00029; ExAC 0.00033; gnomAD exomes 0.00038; 1000 Genomes Project 0.00040; 1000 Genomes Project 30x 0.00047.
gnomAD v4.1: 192 of 1,610,120 alleles (0.012%); highest among the groups gnomAD compares: East Asian, 0.37%; no homozygotes.

Submissions (3):

Labcorp Genetics (formerly Invitae), Labcorp
Classification: Benign. Last evaluated: 2018-07-29. Review status: criteria provided, single submitter. Criteria: Invitae Variant Classification Sherloc (09022015). Collection method: clinical testing. Allele origin: germline.

Illumina Laboratory Services, Illumina
Classification: Likely benign for Bartsocas-Papas syndrome 1. Last evaluated: 2018-01-13. Review status: criteria provided, single submitter. Criteria: ICSL Variant Classification Criteria 13 December 2019. Collection method: clinical testing. Allele origin: germline.
Comment: This variant was observed in the ICSL laboratory as part of a predisposition screen in an ostensibly healthy population. It had not been previously curated by ICSL or reported in the Human Gene Mutation Database (HGMD: prior to June 1st, 2018), and was therefore a candidate for classification through an automated scoring system. Utilizing variant allele frequency, disease prevalence and penetrance estimates, and inheritance mode, an automated score was calculated to assess if this variant is too frequent to cause the disease. Based on the score and internal cut-off values, a variant classified as likely benign is not then subjected to further curation. The score for this variant resulted in a classification of likely benign for this disease.

PreventionGenetics, part of Exact Sciences
Classification: Likely benign for RIPK4-related condition. Last evaluated: 2019-04-24. Review status: no assertion criteria provided. Collection method: clinical testing. Allele origin: germline. Not counted in ClinVar's aggregate classification.
Comment: This variant is classified as likely benign based on ACMG/AMP sequence variant interpretation guidelines (Richards et al. 2015 PMID: 25741868, with internal and published modifications).